The following is an entry in ClinVar:

ClinVar aggregate classification (germline): Conflicting classifications of pathogenicity. Review status: criteria provided, conflicting classifications (1 of 4 stars). 7 submissions from 7 submitters: Uncertain significance (4); Benign (1). 2 of the submissions do not count toward it. Last evaluated 2026-01-23.

Conditions:
ANKRD26-related disorder. Also called: ANKRD26-related condition.
Thrombocytopenia 2 (THC2). Also called: ANKRD26-Related Thrombocytopenia. Identifiers: Orphanet 268322, MedGen C1861185, MONDO:0008555, OMIM 188000.

Allele frequency attached by ClinVar (database versions not stated): gnomAD exomes 0.00028 and 0.00079; ExAC 0.00032; ESP Exome Variant Server 0.00034; gnomAD 0.00035 and 0.00039; TOPMed 0.00038.

Submissions (7):

Labcorp Genetics (formerly Invitae), Labcorp
Classification: Uncertain significance. Last evaluated: 2026-01-23. Review status: criteria provided, single submitter. Criteria: Invitae Variant Classification Sherloc (09022015). Collection method: clinical testing. Allele origin: germline.
Comment: This sequence change replaces proline, which is neutral and non-polar, with serine, which is neutral and polar, at codon 227 of the ANKRD26 protein (p.Pro227Ser). This variant is present in population databases (rs201638257, gnomAD 0.06%), and has an allele count higher than expected for a pathogenic variant. This variant has not been reported in the literature in individuals affected with ANKRD26-related conditions. ClinVar contains an entry for this variant (Variation ID: 877327). An algorithm developed to predict the effect of missense changes on protein structure and function (PolyPhen-2) suggests that this variant is likely to be tolerated. In summary, the available evidence is currently insufficient to determine the role of this variant in disease. Therefore, it has been classified as a Variant of Uncertain Significance.

Mayo Clinic Laboratories, Mayo Clinic
Classification: Uncertain significance. Last evaluated: 2023-08-15. Review status: criteria provided, single submitter. Criteria: ACMG Guidelines, 2015. Collection method: clinical testing. Allele origin: germline. Observed: 1 variant allele.
Comment: BP4

St. Jude Molecular Pathology, St. Jude Children's Research Hospital
Classification: Uncertain significance for Thrombocytopenia 2. Last evaluated: 2023-07-11. Review status: criteria provided, single submitter. Criteria: St. Jude Assertion Criteria 2020. Collection method: clinical testing. Allele origin: germline.
Comment: The ANKRD26 c.679C>T (p.Pro227Ser) missense change has a maximum subpopulation frequency of 0.061% in gnomAD v2.1.1. This variant is not located in the 5' UTR. The in silico tool REVEL predicts a benign effect on protein function, but to our knowledge this prediction has not been confirmed by functional studies. To our knowledge, this variant has not been reported in individuals with ANKRD26-related thrombocytopenia. In summary, the evidence currently available is insufficient to determine the clinical significance of this variant. It has therefore been classified as of uncertain significance.

Genetic Services Laboratory, University of Chicago
Classification: Uncertain significance. Last evaluated: 2021-02-24. Review status: criteria provided, single submitter. Criteria: ACMG Guidelines, 2015. Collection method: clinical testing. Allele origin: germline. Affected: no.

Illumina Laboratory Services, Illumina
Classification: Benign for Thrombocytopenia 2. Last evaluated: 2017-04-27. Review status: criteria provided, single submitter. Criteria: ICSL Variant Classification Criteria 13 December 2019. Collection method: clinical testing. Allele origin: germline.
Comment: This variant was observed as part of a predisposition screen in an ostensibly healthy population. A literature search was performed for the gene, cDNA change, and amino acid change (where applicable). No publications were found based on this search. Allele frequency data from public databases was too high to be consistent with this variant causing disease. Therefore, this variant is classified as benign.

PreventionGenetics, part of Exact Sciences
Classification: Likely benign for ANKRD26-related condition. Last evaluated: 2022-04-24. Review status: no assertion criteria provided. Collection method: clinical testing. Allele origin: germline. Not counted in ClinVar's aggregate classification.
Comment: This variant is classified as likely benign based on ACMG/AMP sequence variant interpretation guidelines (Richards et al. 2015 PMID: 25741868, with internal and published modifications).

Department of Pathology and Laboratory Medicine, Sinai Health System
Classification: Uncertain significance. Review status: no assertion criteria provided. Collection method: clinical testing. Allele origin: unknown. Affected: yes. Study: The Canadian Open Genetics Repository (COGR). Not counted in ClinVar's aggregate classification.
Comment: The ANKRD26 p.Pro227Ser variant was not identified in the literature nor was it identified in ClinVar or Cosmic. The variant was identified in dbSNP (ID: rs201638257) and LOVD 3.0. The variant was identified in 82 of 279566 chromosomes at a frequency of 0.000293 (Genome Aggregation Database Feb 27, 2017). The variant was observed in the following populations: European (non-Finnish) in 78 of 128234 chromosomes (freq: 0.000608) and African in 4 of 24136 chromosomes (freq: 0.000166); it was not observed in the Latino, Ashkenazi Jewish, East Asian, European (Finnish), Other and South Asian populations. The variant occurs outside of the splicing consensus sequence and in silico or computational prediction software programs (SpliceSiteFinder, MaxEntScan, NNSPLICE, GeneSplicer) do not predict a difference in splicing. The p.Pro227 residue is not conserved in mammals and four out of five computational analyses (PolyPhen-2, SIFT, AlignGVGD, MutationTaster) do not suggest a high likelihood of impact to the protein; however, this information is not predictive enough to rule out pathogenicity. In summary, based on the above information the clinical significance of this variant cannot be determined with certainty at this time. This variant is classified as a variant of uncertain significance

Literature cited by the submitters: PubMed 29185836 (cited by Mayo Clinic Laboratories, Mayo Clinic).

NM_014915.3(ANKRD26):c.679C>T (p.Pro227Ser)

Gene: ANKRD26 (ankyrin repeat domain 26; minus strand). Cytogenetic location: 10p12.1.
Variant type: single nucleotide variant.
Coding change: c.679C>T on transcript NM_014915.3 (MANE Select); coding-DNA position 679, C replaced by T.
Protein change: p.Pro227Ser; replaces proline 227 with serine.
Molecular consequence: missense variant.
Genome position (GRCh38, 1-based): chr10:27,086,569, G>A on the plus strand (C>T on the coding strand, the complement: ANKRD26 is on the minus strand). VCF-style: chr10-27086569-G-A. GRCh37 (hg19) VCF-style: chr10-27375498-G-A.
Other names: p.Pro227Ser; c.679C>T, p.Pro227Ser (NM_001256053.2); short protein forms P227S.
Identifiers: ClinVar variation 877327 (VCV000877327.18), dbSNP rs201638257, ClinGen allele CA5448846.